The following is an entry in ClinVar:

ClinVar aggregate classification (germline): Uncertain significance (1 of 4 stars; one submission).

Conditions:
TMEM67-related disorder. Also called: TMEM67-related disorders; TMEM67-related condition. Identifiers: MedGen CN239423.

gnomAD v4.1: 3 of 1,613,946 alleles (0.00019%); highest among the groups gnomAD compares: East Asian, 0.0045%; no homozygotes.

Submission:

PreventionGenetics, part of Exact Sciences
Classification: Uncertain significance for TMEM67-related condition. Last evaluated: 2024-10-09. Review status: criteria provided, single submitter. Criteria: ACMG Guidelines, 2015. Collection method: clinical testing. Allele origin: germline.
Comment: The TMEM67 c.218C>T variant is predicted to result in the amino acid substitution p.Ala73Val. To our knowledge, this variant has not been reported in the literature or in a large population database (gnomAD), indicating this variant is rare. At this time, the clinical significance of this variant is uncertain due to the absence of conclusive functional and genetic evidence.

NM_153704.6(TMEM67):c.218C>T (p.Ala73Val)

Gene: TMEM67 (transmembrane protein 67; plus strand). Cytogenetic location: 8q22.1.
Variant type: single nucleotide variant.
Coding change: c.218C>T on transcript NM_153704.6 (MANE Select); coding-DNA position 218, C replaced by T.
Protein change: p.Ala73Val; replaces alanine 73 with valine.
Molecular consequence: missense variant. On other transcripts: 5 prime UTR variant (1), non-coding transcript variant (1).
Genome position (GRCh38, 1-based): chr8:93,755,132, C>T. VCF-style: chr8-93755132-C-T. GRCh37 (hg19) VCF-style: chr8-94767360-C-T.
Other names: c.-67C>T (NM_001142301.1); short protein forms A73V.
Identifiers: ClinVar variation 5001855 (VCV005001855.1).
Genomic context (GRCh38, chr8:93,755,132, plus strand): 5'-AGTACTTTGATATCTCCGCCCTCTCGTGTGTTCCTTGTGGAGCTAACCAGAGGCAAGATG[C>T]CCGAGGTAAGACGGTTTGCGGTGGGCCCTGGCAAAAGTAACACTCCCGCCTTGGTCGGCC-3'
Protein context (NP_714915.3, residues 63-83): VPCGANQRQD[Ala73Val]RGTSCVCLPG